The following is an entry in ClinVar:

ClinVar aggregate classification (germline): Likely pathogenic (1 of 4 stars; one submission).

Conditions:
Sjögren-Larsson syndrome (SLS). Also called: FALDH DEFICIENCY; FATTY ALCOHOL:NAD+ OXIDOREDUCTASE DEFICIENCY; FATTY ALDEHYDE DEHYDROGENASE DEFICIENCY; ICHTHYOSIS, SPASTIC NEUROLOGIC DISORDER, AND OLIGOPHRENIA. Identifiers: Orphanet 816, MedGen C0037231, MONDO:0010031, OMIM 270200.

Submission:

Natera, Inc.
Classification: Likely pathogenic for Sjögren-Larsson syndrome. Last evaluated: 2024-12-01. Review status: criteria provided, single submitter. Criteria: Natera Variant Classification Schema (03/2026). Collection method: clinical testing. Allele origin: germline.
Comment: The c.608_609del variant in ALDH3A2 is a frameshift variant predicted to shift the reading frame beginning at codon 203 and leads to a stop codon 4 codons downstream. This variant is expected to result in nonsense mediated decay, truncation, or a dysfunctional protein product. This variant is rare in the general population with a frequency below the threshold expected for the associated phenotype(s). Given the available evidence, this variant is classified as Likely Pathogenic.

NM_000382.3(ALDH3A2):c.608_609del (p.Pro203fs)

Gene: ALDH3A2 (aldehyde dehydrogenase 3 family member A2; plus strand). Cytogenetic location: 17p11.2.
Variant type: Deletion.
Coding change: c.608_609del on transcript NM_000382.3 (MANE Select); coding-DNA positions 608 to 609, 2 bases deleted (CT; older notation c.608_609delCT).
Protein change: p.Pro203fs; shifts the reading frame from proline 203.
Molecular consequence: frameshift variant.
Genome position (GRCh38, 1-based): chr17:19,656,502-19,656,503, CT deleted. VCF-style (leftmost placement, unchanged base first): chr17-19656501-CCT-C. GRCh37 (hg19) VCF-style: chr17-19559814-CCT-C.
Other names: c.608_609del, p.Pro203fs (NM_001031806.2, NM_001369136.1, NM_001369137.2 and 3 more transcripts); c.29_30del, p.Pro10fs (NM_001369148.2); short protein forms P10fs, P203fs.
Identifiers: ClinVar variation 4818280 (VCV004818280.1).